The following is an entry in ClinVar:

ClinVar aggregate classification (germline): Uncertain significance (1 of 4 stars; one submission).

Submission:

GeneDx
Classification: Uncertain significance. Last evaluated: 2022-06-14. Review status: criteria provided, single submitter. Criteria: GeneDx Variant Classification Process June 2021. Collection method: clinical testing. Allele origin: germline. Affected: yes.
Comment: Not observed at significant frequency in large population cohorts (gnomAD); In silico analysis supports that this missense variant does not alter protein structure/function; Has not been previously published as pathogenic or benign to our knowledge

NM_004525.3(LRP2):c.1508C>T (p.Thr503Ile)

Gene: LRP2 (LDL receptor related protein 2; minus strand). Cytogenetic location: 2q31.1.
Variant type: single nucleotide variant.
Coding change: c.1508C>T on transcript NM_004525.3 (MANE Select); coding-DNA position 1508, C replaced by T.
Protein change: p.Thr503Ile; replaces threonine 503 with isoleucine.
Molecular consequence: missense variant.
Genome position (GRCh38, 1-based): chr2:169,279,429, G>A on the plus strand (C>T on the coding strand, the complement: LRP2 is on the minus strand). VCF-style: chr2-169279429-G-A. GRCh37 (hg19) VCF-style: chr2-170135939-G-A.
Other names: short protein forms T503I.
Identifiers: ClinVar variation 1327315 (VCV001327315.3), dbSNP rs2105449473, ClinGen allele CA349148000.